The following is an entry in ClinVar:

ClinVar aggregate classification (germline): Uncertain significance (1 of 4 stars; one submission).

Conditions:
Joubert syndrome 21 (JBTS21). Identifiers: MedGen C3810212, MONDO:0014288, OMIM 615636.

Submission:

Labcorp Genetics (formerly Invitae), Labcorp
Classification: Uncertain significance for Joubert syndrome 21. Last evaluated: 2022-06-01. Review status: criteria provided, single submitter. Criteria: Invitae Variant Classification Sherloc (09022015). Collection method: clinical testing. Allele origin: germline.
Comment: In summary, the available evidence is currently insufficient to determine the role of this variant in disease. Therefore, it has been classified as a Variant of Uncertain Significance. Algorithms developed to predict the effect of missense changes on protein structure and function (SIFT, PolyPhen-2, Align-GVGD) all suggest that this variant is likely to be tolerated. This variant has not been reported in the literature in individuals affected with CSPP1-related conditions. This variant is not present in population databases (gnomAD no frequency). This sequence change replaces serine, which is neutral and polar, with proline, which is neutral and non-polar, at codon 683 of the CSPP1 protein (p.Ser683Pro).

NM_001382391.1(CSPP1):c.2062T>C (p.Ser688Pro)

Gene: CSPP1 (centrosome and spindle pole associated protein 1; plus strand). Cytogenetic location: 8q13.2.
Variant type: single nucleotide variant.
Coding change: c.2062T>C on transcript NM_001382391.1 (MANE Select); coding-DNA position 2062, T replaced by C.
Protein change: p.Ser688Pro; replaces serine 688 with proline.
Molecular consequence: missense variant. On other transcripts: intron variant (3).
Genome position (GRCh38, 1-based): chr8:67,149,869, T>C. VCF-style: chr8-67149869-T-C. GRCh37 (hg19) VCF-style: chr8-68062104-T-C.
Other names: c.1981T>C, p.Ser661Pro (NM_001363131.2); c.2128T>C, p.Ser710Pro (NM_001364869.1); c.1948T>C, p.Ser650Pro (NM_001364870.1); c.2047T>C, p.Ser683Pro (NM_024790.7); c.1934-4155T>C (NM_001363132.2); c.1853-4155T>C (NM_001363133.2); c.1079-4155T>C (NM_001291339.2); short protein forms S650P, S710P, S661P, S683P, S688P.
Identifiers: ClinVar variation 2124054 (VCV002124054.4), dbSNP rs2489383486, ClinGen allele CA371186553.